The following is an entry in ClinVar:

NM_199420.4(POLQ):c.327G>C (p.Lys109Asn)

Gene: POLQ (DNA polymerase theta; minus strand). Cytogenetic location: 3q13.33.
Variant type: single nucleotide variant.
Coding change: c.327G>C on transcript NM_199420.4 (MANE Select); coding-DNA position 327, G replaced by C.
Protein change: p.Lys109Asn; replaces lysine 109 with asparagine.
Molecular consequence: missense variant.
Genome position (GRCh38, 1-based): chr3:121,544,743, C>G on the plus strand (G>C on the coding strand, the complement: POLQ is on the minus strand). VCF-style: chr3-121544743-C-G. GRCh37 (hg19) VCF-style: chr3-121263590-C-G.
Other names: short protein forms K109N.
Identifiers: ClinVar variation 1729724 (VCV001729724.3), dbSNP rs142782936, ClinGen allele CA354094220.

ClinVar aggregate classification (germline): Uncertain significance (1 of 4 stars; one submission).

gnomAD v4.1: 14 of 1,609,566 alleles (0.00087%); highest among the groups gnomAD compares: Non-Finnish European, 0.0012%; no homozygotes.

Submission:

Ambry Genetics
Classification: Uncertain significance. Last evaluated: 2024-06-13. Review status: criteria provided, single submitter. Criteria: Ambry Variant Classification Scheme 2023. Collection method: clinical testing. Allele origin: germline.
Comment: The p.K109N variant (also known as c.327G>C), located in coding exon 2 of the POLQ gene, results from a G to C substitution at nucleotide position 327. The lysine at codon 109 is replaced by asparagine, an amino acid with similar properties. This amino acid position is conserved. In addition, this alteration is predicted to be tolerated by in silico analysis. Since supporting evidence is limited at this time, the clinical significance of this alteration remains unclear.